The following is an entry in ClinVar:

NM_015978.3(TNNI3K):c.1789T>C (p.Tyr597His)

Genes: FPGT-TNNI3K (FPGT-TNNI3K readthrough; plus strand), TNNI3K (TNNI3 interacting kinase; plus strand). Cytogenetic location: 1p31.1.
Variant type: single nucleotide variant.
Coding change: c.1789T>C on transcript NM_015978.3 (MANE Select); coding-DNA position 1789, T replaced by C.
Protein change: p.Tyr597His; replaces tyrosine 597 with histidine.
Molecular consequence: missense variant.
Genome position (GRCh38, 1-based): chr1:74,436,096, T>C. VCF-style: chr1-74436096-T-C. GRCh37 (hg19) VCF-style: chr1-74901780-T-C.
Other names: c.2092T>C, p.Tyr698His (NM_001112808.3, NM_001199327.2); short protein forms Y698H, Y597H.
Identifiers: ClinVar variation 4765019 (VCV004765019.1).

ClinVar aggregate classification (germline): Uncertain significance (1 of 4 stars; one submission).

gnomAD v4.1: 3 of 1,606,870 alleles (0.00019%); highest among the groups gnomAD compares: Non-Finnish European, 0.00017%; no homozygotes.

Submission:

Labcorp Genetics (formerly Invitae), Labcorp
Classification: Uncertain significance. Last evaluated: 2025-04-11. Review status: criteria provided, single submitter. Criteria: Invitae Variant Classification Sherloc (09022015). Collection method: clinical testing. Allele origin: germline.
Comment: This sequence change replaces tyrosine, which is neutral and polar, with histidine, which is basic and polar, at codon 597 of the TNNI3K protein (p.Tyr597His). This variant is present in population databases (rs199743346, gnomAD 0.006%). This variant has not been reported in the literature in individuals affected with TNNI3K-related conditions. An algorithm developed to predict the effect of missense changes on protein structure and function (PolyPhen-2) suggests that this variant is likely to be tolerated. In summary, the available evidence is currently insufficient to determine the role of this variant in disease. Therefore, it has been classified as a Variant of Uncertain Significance.